The following is an entry in ClinVar:

ClinVar aggregate classification (germline): Uncertain significance (1 of 4 stars; one submission).

Conditions:
MEGF10-related myopathy (CMYO10A). Also called: Congenital myopathy 10A, severe variant. Identifiers: Orphanet 439212, MedGen C3280679, MONDO:0013731, OMIM 614399.

Submission:

Labcorp Genetics (formerly Invitae), Labcorp
Classification: Uncertain significance for MEGF10-related myopathy. Last evaluated: 2022-03-14. Review status: criteria provided, single submitter. Criteria: Invitae Variant Classification Sherloc (09022015). Collection method: clinical testing. Allele origin: germline.
Comment: This variant has not been reported in the literature in individuals affected with MEGF10-related conditions. This variant is not present in population databases (gnomAD no frequency). This sequence change replaces serine, which is neutral and polar, with threonine, which is neutral and polar, at codon 592 of the MEGF10 protein (p.Ser592Thr). Algorithms developed to predict the effect of missense changes on protein structure and function (SIFT, PolyPhen-2, Align-GVGD) all suggest that this variant is likely to be disruptive. In summary, the available evidence is currently insufficient to determine the role of this variant in disease. Therefore, it has been classified as a Variant of Uncertain Significance.

NM_001256545.2(MEGF10):c.1774T>A (p.Ser592Thr)

Gene: MEGF10 (multiple EGF like domains 10; plus strand). Cytogenetic location: 5q23.2.
Variant type: single nucleotide variant.
Coding change: c.1774T>A on transcript NM_001256545.2 (MANE Select); coding-DNA position 1774, T replaced by A.
Protein change: p.Ser592Thr; replaces serine 592 with threonine.
Molecular consequence: missense variant.
Genome position (GRCh38, 1-based): chr5:127,433,443, T>A. VCF-style: chr5-127433443-T-A. GRCh37 (hg19) VCF-style: chr5-126769135-T-A.
Other names: c.1774T>A, p.Ser592Thr (NM_032446.3); short protein forms S592T.
Identifiers: ClinVar variation 2105790 (VCV002105790.4), dbSNP rs2479751796, ClinGen allele CA360731538.